The following is an entry in ClinVar:

NM_002732.4(PRKACG):c.-10C>G

Gene: PRKACG (protein kinase cAMP-activated catalytic subunit gamma; minus strand). Cytogenetic location: 9q21.11.
Variant type: single nucleotide variant.
Coding change: c.-10C>G on transcript NM_002732.4 (MANE Select); 10 bases upstream of the start codon, C replaced by G.
Molecular consequence: 5 prime UTR variant.
Genome position (GRCh38, 1-based): chr9:69,014,102, G>C on the plus strand (C>G on the coding strand, the complement: PRKACG is on the minus strand). VCF-style: chr9-69014102-G-C. GRCh37 (hg19) VCF-style: chr9-71629018-G-C.
Identifiers: ClinVar variation 3039628 (VCV003039628.2), dbSNP rs1329198202, ClinGen allele CA2690186815.

ClinVar aggregate classification (germline): Likely benign (0 of 4 stars; one submission).

Conditions:
PRKACG-related disorder. Also called: PRKACG-related condition.

Submission:

PreventionGenetics, part of Exact Sciences
Classification: Likely benign for PRKACG-related condition. Last evaluated: 2020-07-09. Review status: no assertion criteria provided. Collection method: clinical testing. Allele origin: germline.
Comment: This variant is classified as likely benign based on ACMG/AMP sequence variant interpretation guidelines (Richards et al. 2015 PMID: 25741868, with internal and published modifications).